The following is an entry in ClinVar:

NM_001025389.2(AMPD3):c.809+1G>C

Gene: AMPD3 (adenosine monophosphate deaminase 3; plus strand). Cytogenetic location: 11p15.4.
Variant type: single nucleotide variant.
Coding change: c.809+1G>C on transcript NM_001025389.2 (MANE Select); the canonical splice donor site of the intron after coding-DNA position 809, G replaced by C.
Molecular consequence: splice donor variant.
Genome position (GRCh38, 1-based): chr11:10,485,040, G>C. VCF-style: chr11-10485040-G-C. GRCh37 (hg19) VCF-style: chr11-10506587-G-C.
Other names: NC_000011.9:g.10506587G>C; c.332+1G>C (NM_001172431.2); c.836+1G>C (NM_000480.3); c.830+1G>C (NM_001025390.2); c.809+1G>C (NM_001172430.1).
Identifiers: ClinVar variation 4367070 (VCV004367070.2).
Genomic context (GRCh38, chr11:10,485,040, plus strand): 5'-CCTGGAGACCTACACGGTGGACATGAGCCACATCCTGGCTCTCATCACCGATGGCCCCAC[G>C]TAAGCTAGCTTCTCCGCGGCTGCCTGTCTTTGCACAGGTGCTGTTCTGTAGGAAGGAGAT-3'

ClinVar aggregate classification (germline): Likely pathogenic (1 of 4 stars; one submission).

Conditions:
Erythrocyte AMP deaminase deficiency. Identifiers: Orphanet 45, MedGen C2752073, OMIM 612874, MONDO:0020734.

Submissions (2):

First Genomix Gene Laboratory, Genetic Diagnostics Department
Classification: Likely pathogenic for Erythrocyte AMP deaminase deficiency. Last evaluated: 2025-06-17. Review status: criteria provided, single submitter. Criteria: ACMG Guidelines, 2015. Collection method: clinical testing. Allele origin: germline. Inheritance: Autosomal recessive inheritance. Affected: no. Observed: 1 variant allele.

Dr. Peter K. Rogan Lab, Western University
No classification provided (evidence only). Condition: Thyroid cancer, nonmedullary, 1. Review status: no classification provided. Collection method: in vitro. Allele origin: not applicable. Functional consequence: skipped exon. Not counted in ClinVar's aggregate classification.